The following is an entry in ClinVar:

ClinVar aggregate classification (germline): Uncertain significance (1 of 4 stars; one submission).

Allele frequency attached by ClinVar (database versions not stated): TOPMed 0.00001; ExAC 0.00002; gnomAD 0.00003 and 0.00004.
gnomAD v4.1: 6 of 1,613,438 alleles (0.00037%); highest among the groups gnomAD compares: Admixed American, 0.0067%; no homozygotes.

Submission:

Labcorp Genetics (formerly Invitae), Labcorp
Classification: Uncertain significance. Last evaluated: 2023-10-03. Review status: criteria provided, single submitter. Criteria: Invitae Variant Classification Sherloc (09022015). Collection method: clinical testing. Allele origin: germline.
Comment: This sequence change replaces valine, which is neutral and non-polar, with alanine, which is neutral and non-polar, at codon 3156 of the PCLO protein (p.Val3156Ala). This variant is present in population databases (rs778117884, gnomAD no frequency). This variant has not been reported in the literature in individuals affected with PCLO-related conditions. ClinVar contains an entry for this variant (Variation ID: 1442502). Algorithms developed to predict the effect of missense changes on protein structure and function output the following: SIFT: "Not Available"; PolyPhen-2: "Not Available"; Align-GVGD: "Not Available". The alanine amino acid residue is found in multiple mammalian species, which suggests that this missense change does not adversely affect protein function. In summary, the available evidence is currently insufficient to determine the role of this variant in disease. Therefore, it has been classified as a Variant of Uncertain Significance.

NM_033026.6(PCLO):c.9467T>C (p.Val3156Ala)

Gene: PCLO (piccolo presynaptic cytomatrix protein; minus strand). Cytogenetic location: 7q21.11.
Variant type: single nucleotide variant.
Coding change: c.9467T>C on transcript NM_033026.6 (MANE Select); coding-DNA position 9467, T replaced by C.
Protein change: p.Val3156Ala; replaces valine 3156 with alanine.
Molecular consequence: missense variant.
Genome position (GRCh38, 1-based): chr7:82,951,121, A>G on the plus strand (T>C on the coding strand, the complement: PCLO is on the minus strand). VCF-style: chr7-82951121-A-G. GRCh37 (hg19) VCF-style: chr7-82580437-A-G.
Other names: c.9467T>C, p.Val3156Ala (NM_014510.3); short protein forms V3156A.
Identifiers: ClinVar variation 1442502 (VCV001442502.6), dbSNP rs778117884, ClinGen allele CA4319920.